The following is an entry in ClinVar:

Conditions:
Breast-ovarian cancer, familial, susceptibility to, 1 (BROVCA1). Also called: BRCA1 Hereditary Breast and Ovarian Cancer; OVARIAN CANCER, SUSCEPTIBILITY TO. Identifiers: Orphanet 145, MedGen C2676676, MONDO:0011450, OMIM 604370. Disease mechanism: loss of function.

Submission:

Brotman Baty Institute, University of Washington
No classification provided (evidence only). Condition: Breast-ovarian cancer, familial 1. Review status: no classification provided. Collection method: in vitro. Allele origin: not applicable. Functional consequence: functionally_normal.
ClinVar note: "not provided" was previously submitted as the classification for the variant. However, the classification appeared to be based only on an observation of functional data so it was converted to no classification on 2025-07-30.

NM_007294.4(BRCA1):c.24T>C (p.Val8=)

Gene: BRCA1 (BRCA1 DNA repair associated; minus strand). Cytogenetic location: 17q21.31.
Variant type: single nucleotide variant.
Coding change: c.24T>C on transcript NM_007294.4 (MANE Select); coding-DNA position 24, T replaced by C.
Protein change: p.Val8=; no amino-acid change (valine 8 retained).
Molecular consequence: synonymous variant. On other transcripts: 5 prime UTR variant (136), intron variant (36).
Genome position (GRCh38, 1-based): chr17:43,124,073, A>G on the plus strand (T>C on the coding strand, the complement: BRCA1 is on the minus strand). VCF-style: chr17-43124073-A-G. GRCh37 (hg19) VCF-style: chr17-41276090-A-G.
Other names: c.24T>C, p.Val8= (NM_001407641.1, NM_001407642.1, NM_001407644.1 and 193 more transcripts); c.-234T>C (NM_001407694.1, NM_001407724.1, NM_001407727.1 and 11 more transcripts); c.-238T>C (NM_001407695.1, NM_001408465.1); c.-379T>C (NM_001407696.1); c.-263T>C (NM_001407697.1, NM_001407846.1, NM_001407920.1); c.-64T>C (NM_001407698.1, NM_001407732.1, NM_001407736.1 and 23 more transcripts); c.-237T>C (NM_001407725.1, NM_001407730.1, NM_001407734.1 and 22 more transcripts); c.-183T>C (NM_001407726.1, NM_001407751.1); and 23 more.
Identifiers: ClinVar variation 867696 (VCV000867696.3), dbSNP rs2055739304, ClinGen allele CA500131480.
Genomic context (GRCh38, chr17:43,124,073, plus strand): 5'-TTACCAGATGGGACACTCTAAGATTTTCTGCATAGCATTAATGACATTTTGTACTTCTTC[A>G]ACGCGAAGAGCAGATAAATCCATTTCTTTCTGTTCCAATGAACTTTAACACATTAGAAAA-3'
Protein context (NP_009225.1, residues 1-18): MDLSALR[Val8=]EEVQNVINAM